The following is an entry in ClinVar:

ClinVar aggregate classification (germline): Pathogenic. Review status: criteria provided, multiple submitters, no conflicts (2 of 4 stars). 4 submissions from 4 submitters: Pathogenic (3). 1 of the submissions does not count toward it. Last evaluated 2024-04-08.

Conditions:
Combined deficiency of sialidase AND beta galactosidase (GSL). Also called: NEURAMINIDASE DEFICIENCY WITH BETA-GALACTOSIDASE DEFICIENCY; NEURAMINIDASE/BETA-GALACTOSIDASE EXPRESSION; CATHEPSIN A DEFICIENCY; PPCA DEFICIENCY; PROTECTIVE PROTEIN/CATHEPSIN A DEFICIENCY; GOLDBERG SYNDROME. Identifiers: Orphanet 351, MedGen C0268233, MONDO:0009737, OMIM 256540.
GALACTOSIALIDOSIS, LATE INFANTILE. Identifiers: MedGen C4017292.

Submissions (4):

Labcorp Genetics (formerly Invitae), Labcorp
Classification: Pathogenic for Combined deficiency of sialidase AND beta galactosidase. Last evaluated: 2024-04-08. Review status: criteria provided, single submitter. Criteria: Invitae Variant Classification Sherloc (09022015). Collection method: clinical testing. Allele origin: germline.
Comment: This sequence change creates a premature translational stop signal (p.Phe191Profs*39) in the CTSA gene. It is expected to result in an absent or disrupted protein product. Loss-of-function variants in CTSA are known to be pathogenic (PMID: 15110321, 23915561). This variant is not present in population databases (gnomAD no frequency). This premature translational stop signal has been observed in individual(s) with galactosialidosis (PMID: 9603439). This variant is also known as c517delTT. ClinVar contains an entry for this variant (Variation ID: 387). For these reasons, this variant has been classified as Pathogenic.

Women's Health and Genetics/Laboratory Corporation of America, LabCorp
Classification: Pathogenic for Combined deficiency of sialidase AND beta galactosidase. Last evaluated: 2023-04-06. Review status: criteria provided, single submitter. Criteria: LabCorp Variant Classification Summary - May 2015. Collection method: clinical testing. Allele origin: germline.
Comment: Variant summary: CTSA c.517_518delTT/p.Phe173ProfsX39 (also known as c.569_570delTT) results in a premature termination codon, predicted to cause a truncation of the encoded protein or absence of the protein due to nonsense mediated decay, which are commonly known mechanisms for disease. Truncations downstream of this position have been classified as pathogenic by our laboratory. The variant was absent in 251484 control chromosomes. c.517_518delTT has been reported in the literature in individuals affected with Galactosialidosis (e.g. Richard_1998, Okulu_2017). These data indicate that the variant may be associated with disease. At least one publication reports experimental evidence evaluating an impact on protein function. The most pronounced variant effect results in <10% of normal activity (Richard_1998). No clinical diagnostic laboratories have submitted clinical-significance assessments for this variant to ClinVar after 2014. Based on the evidence outlined above, the variant was classified as pathogenic.

Laboratory for Molecular Medicine, Mass General Brigham Personalized Medicine
Classification: Pathogenic for Combined deficiency of sialidase AND beta galactosidase. Last evaluated: 2017-04-04. Review status: criteria provided, single submitter. Criteria: ACMG Guidelines, 2015. Collection method: clinical testing. Allele origin: germline. Inheritance: Autosomal recessive inheritance.
Comment: The p.Phe191ProfsX39 variant in CTSA has been reported in 1 individual (compound heterozygous) with clinical features of galactosialidosis-late infantile type (Richard 1998) and was absent from large population studies. However, these types of assays may not accurately represent biological function. This variant is predicted to cause a frameshift, which alters the protein’s amino acid sequence beginning at position 191 and leads to a premature termination codon 39 amino acids downstream. This alteration is then predicted to lead to a truncated or absent protein. In vitro functional studies support that the p.Phe191ProfsX39 variant impacts protein function (Richard 1998). In summary, this variant meets criteria to be classified as pathogenic for galactosialidosis in an autosomal recessive manner based upon case studies, absence from controls and functional evidence.

OMIM
Classification: Pathogenic for GALACTOSIALIDOSIS, LATE INFANTILE. Last evaluated: 1998-01-01. Review status: no assertion criteria provided. Collection method: literature only. Allele origin: germline. Not counted in ClinVar's aggregate classification.

Literature cited by the submitters: PubMed 15110321 (cited by Labcorp Genetics (formerly Invitae), Labcorp and Women's Health and Genetics/Laboratory Corporation of America, LabCorp); PubMed 23915561 (cited by Labcorp Genetics (formerly Invitae), Labcorp); PubMed 9603439 (cited by 4 submitters); PubMed 28603679 (cited by Women's Health and Genetics/Laboratory Corporation of America, LabCorp); PubMed 10571006 (cited by Women's Health and Genetics/Laboratory Corporation of America, LabCorp); PubMed 29876240 (cited by Women's Health and Genetics/Laboratory Corporation of America, LabCorp).

NM_000308.4(CTSA):c.517_518del (p.Phe173fs)

Gene: CTSA (cathepsin A; plus strand). Cytogenetic location: 20q13.12.
Variant type: Deletion.
Coding change: c.517_518del on transcript NM_000308.4 (MANE Select); coding-DNA positions 517 to 518, 2 bases deleted (TT; older notation c.517_518delTT).
Protein change: p.Phe173fs; shifts the reading frame from phenylalanine 173.
Molecular consequence: frameshift variant. On other transcripts: non-coding transcript variant (1).
Genome position (GRCh38, 1-based): chr20:45,892,797-45,892,798, TT deleted; deleting any 2 consecutive bases within chr20:45,892,795-45,892,798 gives the same sequence; the c. name uses the placement nearest the transcript's 3' end. VCF-style (leftmost placement, unchanged base first): chr20-45892794-CTT-C. GRCh37 (hg19) VCF-style: chr20-44521433-CTT-C.
Other names: c.571_572delTT (NM_000308.3); c.517_518del, p.Phe173fs (NM_001127695.3); c.466_467del, p.Phe156fs (NM_001167594.3); c.517_518delTT (NM_000308.4); short protein forms F173fs, F156fs.
Identifiers: ClinVar variation 387 (VCV000000387.8), dbSNP rs769812697, ClinGen allele CA212738.